The following is an entry in ClinVar:

ClinVar aggregate classification (germline): Likely benign. Review status: criteria provided, multiple submitters, no conflicts (2 of 4 stars). 5 submissions from 5 submitters: Likely benign (4). 1 of the submissions does not count toward it. Last evaluated 2025-02-20.

Conditions:
Myofibrillar myopathy 5. Also called: Filaminopathy (type); FILAMINOPATHY, AUTOSOMAL DOMINANT. Identifiers: Orphanet 171445, MedGen C1836050, MONDO:0012289, OMIM 609524.
Distal myopathy with posterior leg and anterior hand involvement. Also called: WILLIAMS DISTAL MYOPATHY. Identifiers: Orphanet 63273, MedGen C3279722, MONDO:0013550, OMIM 614065.
Hypertrophic cardiomyopathy 26. Also called: Cardiomyopathy, familial hypertrophic, 26. Identifiers: Orphanet 75249, MedGen C4310749, MONDO:0014883, OMIM 617047.
FLNC-related disorder. Also called: FLNC-related condition; FLNC-related disorders.
Cardiovascular phenotype. Identifiers: MedGen CN230736.

Allele frequency attached by ClinVar (database versions not stated): ExAC 0.00001; gnomAD 0.00001; TOPMed 0.00001; gnomAD exomes 0.00002.
gnomAD v4.1: 35 of 1,610,598 alleles (0.0022%); highest among the groups gnomAD compares: Non-Finnish European, 0.0029%; no homozygotes.

Submissions (5):

Labcorp Genetics (formerly Invitae), Labcorp
Classification: Likely benign for Distal myopathy with posterior leg and anterior hand involvement; Myofibrillar myopathy 5; Hypertrophic cardiomyopathy 26. Last evaluated: 2025-02-20. Review status: criteria provided, single submitter. Criteria: Invitae Variant Classification Sherloc (09022015). Collection method: clinical testing. Allele origin: germline.

Blueprint Genetics
Classification: Likely benign. Last evaluated: 2024-10-17. Review status: criteria provided, single submitter. Criteria: ACMG Guidelines, 2015. Collection method: clinical testing. Allele origin: germline.

Ambry Genetics
Classification: Likely benign for Cardiovascular phenotype. Last evaluated: 2021-06-17. Review status: criteria provided, single submitter. Criteria: Ambry Variant Classification Scheme 2023. Collection method: clinical testing. Allele origin: germline.

GeneDx
Classification: Likely benign. Last evaluated: 2019-03-11. Review status: criteria provided, single submitter. Criteria: GeneDx Variant Classification Process June 2021. Collection method: clinical testing. Allele origin: germline. Affected: yes.

PreventionGenetics, part of Exact Sciences
Classification: Likely benign for FLNC-related condition. Last evaluated: 2020-10-02. Review status: no assertion criteria provided. Collection method: clinical testing. Allele origin: germline. Not counted in ClinVar's aggregate classification.
Comment: This variant is classified as likely benign based on ACMG/AMP sequence variant interpretation guidelines (Richards et al. 2015 PMID: 25741868, with internal and published modifications).

NM_001458.5(FLNC):c.7146G>A (p.Glu2382=)

Genes: FLNC (filamin C; plus strand), FLNC-AS1 (FLNC antisense RNA 1; minus strand). Cytogenetic location: 7q32.1.
Variant type: single nucleotide variant.
Coding change: c.7146G>A on transcript NM_001458.5 (MANE Select); coding-DNA position 7146, G replaced by A.
Protein change: p.Glu2382=; no amino-acid change (glutamic acid 2382 retained).
Molecular consequence: synonymous variant.
Genome position (GRCh38, 1-based): chr7:128,855,209, G>A. VCF-style: chr7-128855209-G-A. GRCh37 (hg19) VCF-style: chr7-128495263-G-A.
Other names: c.7047G>A, p.Glu2349= (NM_001127487.2).
Identifiers: ClinVar variation 539472 (VCV000539472.16), dbSNP rs779162678, ClinGen allele CA4476181.
Genomic context (GRCh38, chr7:128,855,209, plus strand): 5'-CCCTGCCAACCTCCATCCCGGAACCTGTGCTGACTGGTCTCTCTCCCCAGGTGACTATGA[G>A]GTCTCCATCAAGTTCAATGATGAGCACATCCCAGACAGCCCCTTTGTGGTGCCTGTGGCC-3'
Protein context (NP_001449.3, residues 2372-2392): SYVVQEPGDY[Glu2382=]VSIKFNDEHI